The following is an entry in ClinVar:

NM_000400.4(ERCC2):c.1041G>C (p.Gln347His)

Gene: ERCC2 (ERCC excision repair 2, TFIIH core complex helicase subunit; minus strand). Cytogenetic location: 19q13.32.
Variant type: single nucleotide variant.
Coding change: c.1041G>C on transcript NM_000400.4 (MANE Select); coding-DNA position 1041, G replaced by C.
Protein change: p.Gln347His; replaces glutamine 347 with histidine.
Molecular consequence: missense variant.
Genome position (GRCh38, 1-based): chr19:45,363,820, C>G on the plus strand (G>C on the coding strand, the complement: ERCC2 is on the minus strand). VCF-style: chr19-45363820-C-G. GRCh37 (hg19) VCF-style: chr19-45867078-C-G.
Other names: c.969G>C, p.Gln323His (NM_001130867.2); short protein forms Q323H, Q347H.
Identifiers: ClinVar variation 2452367 (VCV002452367.2), dbSNP rs2514028647, ClinGen allele CA406372571.

ClinVar aggregate classification (germline): Uncertain significance (1 of 4 stars; one submission).

Conditions:
Inborn genetic diseases. Identifiers: MedGen C0950123, MeSH D030342.

Submission:

Ambry Genetics
Classification: Uncertain significance for Inborn genetic diseases. Last evaluated: 2023-02-03. Review status: criteria provided, single submitter. Criteria: Ambry Variant Classification Scheme 2023. Collection method: clinical testing. Allele origin: germline.
Comment: The p.Q347H variant (also known as c.1041G>C), located in coding exon 11 of the ERCC2 gene, results from a G to C substitution at nucleotide position 1041. The glutamine at codon 347 is replaced by histidine, an amino acid with highly similar properties. This amino acid position is conserved. In addition, this alteration is predicted to be tolerated by in silico analysis. Since supporting evidence is limited at this time, the clinical significance of this alteration remains unclear.